The following is an entry in ClinVar:

NM_032447.5(FBN3):c.4051C>G (p.Gln1351Glu)

Gene: FBN3 (fibrillin 3; minus strand). Cytogenetic location: 19p13.2.
Variant type: single nucleotide variant.
Coding change: c.4051C>G on transcript NM_032447.5 (MANE Select); coding-DNA position 4051, C replaced by G.
Protein change: p.Gln1351Glu; replaces glutamine 1351 with glutamic acid.
Molecular consequence: missense variant.
Genome position (GRCh38, 1-based): chr19:8,111,681, G>C on the plus strand (C>G on the coding strand, the complement: FBN3 is on the minus strand). VCF-style: chr19-8111681-G-C. GRCh37 (hg19) VCF-style: chr19-8176565-G-C.
Other names: c.4051C>G, p.Gln1351Glu (NM_001321431.2); c.4051C>G (NM_032447.3); short protein forms Q1351E.
Identifiers: ClinVar variation 1435465 (VCV001435465.7), dbSNP rs2082588178, ClinGen allele CA403740523.

ClinVar aggregate classification (germline): Uncertain significance. Review status: criteria provided, multiple submitters, no conflicts (2 of 4 stars). 2 submissions from 2 submitters: Uncertain significance (2). Last evaluated 2024-04-01.

Allele frequency attached by ClinVar (database versions not stated): gnomAD 0.00001; TOPMed 0.00001.
gnomAD v4.1: 3 of 1,604,400 alleles (0.00019%); highest among the groups gnomAD compares: Admixed American, 0.0051%; no homozygotes.

Submissions (2):

Ambry Genetics
Classification: Uncertain significance. Last evaluated: 2024-04-01. Review status: criteria provided, single submitter. Criteria: Ambry Variant Classification Scheme 2023. Collection method: clinical testing. Allele origin: germline.

Labcorp Genetics (formerly Invitae), Labcorp
Classification: Uncertain significance. Last evaluated: 2022-08-15. Review status: criteria provided, single submitter. Criteria: Invitae Variant Classification Sherloc (09022015). Collection method: clinical testing. Allele origin: germline.
Comment: This sequence change replaces glutamine, which is neutral and polar, with glutamic acid, which is acidic and polar, at codon 1351 of the FBN3 protein (p.Gln1351Glu). This variant is not present in population databases (gnomAD no frequency). In summary, the available evidence is currently insufficient to determine the role of this variant in disease. Therefore, it has been classified as a Variant of Uncertain Significance. Algorithms developed to predict the effect of missense changes on protein structure and function output the following: SIFT: "Not Available"; PolyPhen-2: "Benign"; Align-GVGD: "Not Available". The glutamic acid amino acid residue is found in multiple mammalian species, which suggests that this missense change does not adversely affect protein function. ClinVar contains an entry for this variant (Variation ID: 1435465). This variant has not been reported in the literature in individuals affected with FBN3-related conditions.